The following is an entry in ClinVar:

ClinVar aggregate classification (germline): Uncertain significance (1 of 4 stars; one submission).

gnomAD v4.1: 1 of 1,614,040 alleles (0.000062%); no homozygotes.

Submission:

GeneDx
Classification: Uncertain significance. Last evaluated: 2024-12-12. Review status: criteria provided, single submitter. Criteria: GeneDx Variant Classification Process June 2021. Collection method: clinical testing. Allele origin: germline. Affected: yes.
Comment: Not observed at significant frequency in large population cohorts (gnomAD); In silico analysis indicates that this missense variant does not alter protein structure/function; Has not been previously published as pathogenic or benign to our knowledge

NM_001384140.1(PCDH15):c.1186A>G (p.Thr396Ala)

Gene: PCDH15 (protocadherin related 15; minus strand). Cytogenetic location: 10q21.1.
Variant type: single nucleotide variant.
Coding change: c.1186A>G on transcript NM_001384140.1 (MANE Select); coding-DNA position 1186, A replaced by G.
Protein change: p.Thr396Ala; replaces threonine 396 with alanine.
Molecular consequence: missense variant.
Genome position (GRCh38, 1-based): chr10:54,195,802, T>C on the plus strand (A>G on the coding strand, the complement: PCDH15 is on the minus strand). VCF-style: chr10-54195802-T-C. GRCh37 (hg19) VCF-style: chr10-55955562-T-C.
Other names: c.1201A>G, p.Thr401Ala (NM_001142763.2, NM_001142769.4, NM_001142771.2); c.1186A>G, p.Thr396Ala (NM_001142764.2, NM_001142765.2, NM_001142766.2 and 7 more transcripts); c.1075A>G, p.Thr359Ala (NM_001142767.2); c.1120A>G, p.Thr374Ala (NM_001142768.2, NM_001142773.2, NM_001354404.2); short protein forms T359A, T374A, T396A, T401A.
Identifiers: ClinVar variation 3903331 (VCV003903331.1).